The following is an entry in ClinVar:

NM_001292063.2(OTOG):c.6012C>T (p.Asp2004=)

Gene: OTOG (otogelin; plus strand). Cytogenetic location: 11p15.1.
Variant type: single nucleotide variant.
Coding change: c.6012C>T on transcript NM_001292063.2 (MANE Select); coding-DNA position 6012, C replaced by T.
Protein change: p.Asp2004=; no amino-acid change (aspartic acid 2004 retained).
Molecular consequence: synonymous variant.
Genome position (GRCh38, 1-based): chr11:17,611,312, C>T. VCF-style: chr11-17611312-C-T. GRCh37 (hg19) VCF-style: chr11-17632859-C-T.
Other names: c.6048C>T, p.Asp2016= (NM_001277269.2).
Identifiers: ClinVar variation 748300 (VCV000748300.16), dbSNP rs61734252, ClinGen allele CA5905974.

ClinVar aggregate classification (germline): Benign/Likely benign. Review status: criteria provided, multiple submitters, no conflicts (2 of 4 stars). 4 submissions from 4 submitters: Benign (1); Likely benign (3). Last evaluated 2026-01-05.

Allele frequency attached by ClinVar (database versions not stated): gnomAD exomes 0.00010 and 0.00023; ExAC 0.00012; gnomAD 0.00095 and 0.00103; 1000 Genomes Project 0.00100; TOPMed 0.00104; 1000 Genomes Project 30x 0.00125.
gnomAD v4.1: 284 of 1,550,554 alleles (0.018%); highest among the groups gnomAD compares: African/African-American, 0.33%; no homozygotes.

Submissions (4):

Labcorp Genetics (formerly Invitae), Labcorp
Classification: Benign. Last evaluated: 2026-01-05. Review status: criteria provided, single submitter. Criteria: Invitae Variant Classification Sherloc (09022015). Collection method: clinical testing. Allele origin: germline.

Blueprint Genetics
Classification: Likely benign. Last evaluated: 2024-02-15. Review status: criteria provided, single submitter. Criteria: ACMG Guidelines, 2015. Collection method: clinical testing. Allele origin: germline.

GeneDx
Classification: Likely benign. Last evaluated: 2020-09-14. Review status: criteria provided, single submitter. Criteria: GeneDx Variant Classification Process June 2021. Collection method: clinical testing. Allele origin: germline. Affected: yes.

Laboratory for Molecular Medicine, Mass General Brigham Personalized Medicine
Classification: Likely benign. Last evaluated: 2017-08-23. Review status: criteria provided, single submitter. Criteria: LMM Criteria. Collection method: clinical testing. Allele origin: germline. Observed: 1 variant allele.
Comment: p.Asp2016Asp in exon 35 of OTOG: This variant is not expected to have clinical significance because it does not alter an amino acid residue and is not located within the splice consensus sequence. It has been identified in 0.22% (2/894) of African chromosomes by the Exome Aggregation Consortium (ExAC; dbSNP rs61734252).